The following is an entry in ClinVar:

NM_001105206.3(LAMA4):c.5326+6T>C

Gene: LAMA4 (laminin subunit alpha 4; minus strand). Cytogenetic location: 6q21.
Variant type: single nucleotide variant.
Coding change: c.5326+6T>C on transcript NM_001105206.3 (MANE Select); 6 bases into the intron after coding-DNA position 5326, T replaced by C.
Molecular consequence: intron variant.
Genome position (GRCh38, 1-based): chr6:112,114,070, A>G on the plus strand (T>C on the coding strand, the complement: LAMA4 is on the minus strand). VCF-style: chr6-112114070-A-G. GRCh37 (hg19) VCF-style: chr6-112435273-A-G.
Other names: c.5305+6T>C (NM_002290.5, NM_001105207.3).
Identifiers: ClinVar variation 3902318 (VCV003902318.1).

ClinVar aggregate classification (germline): Likely benign (1 of 4 stars; one submission).

gnomAD v4.1: 14 of 1,612,940 alleles (0.00087%); highest among the groups gnomAD compares: South Asian, 0.014%; no homozygotes.

Submission:

Women's Health and Genetics/Laboratory Corporation of America, LabCorp
Classification: Likely benign. Last evaluated: 2025-05-12. Review status: criteria provided, single submitter. Criteria: LabCorp Variant Classification Summary - May 2015. Collection method: clinical testing. Allele origin: germline.
Comment: Variant summary: LAMA4 c.5326+6T>C alters a non-conserved nucleotide located close to a canonical splice site and therefore could affect mRNA splicing, leading to a significantly altered protein sequence. Consensus agreement among computation tools predict no significant impact on normal splicing. However, these predictions have yet to be confirmed by functional studies. The variant allele was found at a frequency of 8.7e-06 in 1605946 control chromosomes, predominantly at a frequency of 0.00014 within the South Asian subpopulation in the gnomAD database. The observed variant frequency within South Asian control individuals in the gnomAD database is approximately 5.6 fold of the estimated maximal expected allele frequency for a pathogenic variant in LAMA4 causing Cardiomyopathy phenotype (2.5e-05). To our knowledge, no occurrence of c.5326+6T>C in individuals affected with Cardiomyopathy and no experimental evidence demonstrating its impact on protein function have been reported. No submitters have cited clinical-significance assessments for this variant to ClinVar. Based on the evidence outlined above, the variant was classified as likely benign.